The following is an entry in ClinVar:

NM_001042492.3(NF1):c.6416T>C (p.Leu2139Pro)

Gene: NF1 (neurofibromin 1; plus strand). Cytogenetic location: 17q11.2.
Variant type: single nucleotide variant.
Coding change: c.6416T>C on transcript NM_001042492.3 (MANE Select); coding-DNA position 6416, T replaced by C.
Protein change: p.Leu2139Pro; replaces leucine 2139 with proline.
Molecular consequence: missense variant.
Genome position (GRCh38, 1-based): chr17:31,336,903, T>C. VCF-style: chr17-31336903-T-C. GRCh37 (hg19) VCF-style: chr17-29663921-T-C.
Other names: c.6353T>C, p.Leu2118Pro (NM_000267.4); short protein forms L2139P, L2118P.
Identifiers: ClinVar variation 2081628 (VCV002081628.4), dbSNP rs2151555157, ClinGen allele CA399012946.

ClinVar aggregate classification (germline): Uncertain significance (1 of 4 stars; one submission).

Conditions:
Neurofibromatosis, type 1 (NF1). Also called: Neurofibromatosis, type I; VON RECKLINGHAUSEN DISEASE; NEUROFIBROMATOSIS, TYPE I, SOMATIC; Peripheral type neurofibromatosis. Identifiers: Orphanet 636, MedGen C0027831, MONDO:0018975, OMIM 162200. Disease mechanism: loss of function.

Submission:

Labcorp Genetics (formerly Invitae), Labcorp
Classification: Uncertain significance for Neurofibromatosis, type 1. Last evaluated: 2022-01-13. Review status: criteria provided, single submitter. Criteria: Invitae Variant Classification Sherloc (09022015). Collection method: clinical testing. Allele origin: germline.
Comment: In summary, the available evidence is currently insufficient to determine the role of this variant in disease. Therefore, it has been classified as a Variant of Uncertain Significance. Algorithms developed to predict the effect of missense changes on protein structure and function are either unavailable or do not agree on the potential impact of this missense change (SIFT: "Deleterious"; PolyPhen-2: "Possibly Damaging"; Align-GVGD: "Class C0"). This variant has not been reported in the literature in individuals affected with NF1-related conditions. This variant is not present in population databases (gnomAD no frequency). This sequence change replaces leucine, which is neutral and non-polar, with proline, which is neutral and non-polar, at codon 2118 of the NF1 protein (p.Leu2118Pro).